The following is an entry in ClinVar:

NM_000138.5(FBN1):c.522del (p.Gln176fs)

Gene: FBN1 (fibrillin 1; minus strand). Cytogenetic location: 15q21.1.
Variant type: Deletion.
Coding change: c.522del on transcript NM_000138.5 (MANE Select); coding-DNA position 522, one base deleted (A; older notation c.522delA).
Protein change: p.Gln176fs; shifts the reading frame from glutamine 176.
Molecular consequence: frameshift variant.
Genome position (GRCh38, 1-based): chr15:48,596,299, T deleted on the plus strand (A on the coding strand, the reverse complement: FBN1 is on the minus strand). VCF-style (leftmost placement, unchanged base first): chr15-48596298-GT-G. GRCh37 (hg19) VCF-style: chr15-48888495-GT-G.
Other names: c.522del, p.Gln176fs (NM_001406716.1, NM_001406717.1); short protein forms Q176fs.
Identifiers: ClinVar variation 4531213 (VCV004531213.1).

ClinVar aggregate classification (germline): Pathogenic (1 of 4 stars; one submission).

Conditions:
Marfan syndrome (MFS). Also called: MARFAN SYNDROME, TYPE I; Marfan syndrome type 1; Marfan's syndrome; Marfan syndrome, classic; FBN1-Related Marfan Syndrome. Identifiers: Orphanet 284963, Orphanet 558, MedGen C0024796, MONDO:0007947, OMIM 154700.

Submission:

Juno Genomics, Hangzhou Juno Genomics, Inc
Classification: Pathogenic for Marfan syndrome. Review status: criteria provided, single submitter. Criteria: ACMG Guidelines, 2015. Collection method: clinical testing. Allele origin: germline. Affected: yes.
Comment: Absent from controls (or at extremely low frequency if recessive) in Genome Aggregation Database, Exome Sequencing Project, 1000 Genomes Project, or Exome Aggregation Consortium.;De novo (both maternity and paternity confirmed) in a patient with the disease and no family history.;Null variant in a gene where loss of function (LOF) is a known mechanism of disease.